The following is an entry in ClinVar:

NM_002474.3(MYH11):c.633G>C (p.Thr211=)

Gene: MYH11 (myosin heavy chain 11; minus strand). Cytogenetic location: 16p13.11.
Variant type: single nucleotide variant.
Coding change: c.633G>C on transcript NM_002474.3 (MANE Select); coding-DNA position 633, G replaced by C.
Protein change: p.Thr211=; no amino-acid change (threonine 211 retained).
Molecular consequence: synonymous variant.
Genome position (GRCh38, 1-based): chr16:15,786,630, C>G on the plus strand (G>C on the coding strand, the complement: MYH11 is on the minus strand). VCF-style: chr16-15786630-C-G. GRCh37 (hg19) VCF-style: chr16-15880487-C-G.
Other names: c.633G>C, p.Thr211= (NM_001040113.2, NM_001040114.2, NM_022844.3).
Identifiers: ClinVar variation 3611885 (VCV003611885.2).

ClinVar aggregate classification (germline): Uncertain significance (1 of 4 stars; one submission).

Conditions:
Aortic aneurysm, familial thoracic 4 (AAT4). Also called: AORTIC ANEURYSM/AORTIC DISSECTION AND PATENT DUCTUS ARTERIOSUS. Identifiers: MedGen C1851504, MONDO:0007568, OMIM 132900.

Submission:

Labcorp Genetics (formerly Invitae), Labcorp
Classification: Uncertain significance for Aortic aneurysm, familial thoracic 4. Last evaluated: 2024-08-19. Review status: criteria provided, single submitter. Criteria: Invitae Variant Classification Sherloc (09022015). Collection method: clinical testing. Allele origin: germline.
Comment: This sequence change affects codon 211 of the MYH11 mRNA. It is a 'silent' change, meaning that it does not change the encoded amino acid sequence of the MYH11 protein. This variant also falls at the last nucleotide of exon 5, which is part of the consensus splice site for this exon. This variant is not present in population databases (gnomAD no frequency). This variant has not been reported in the literature in individuals affected with MYH11-related conditions. Variants that disrupt the consensus splice site are a relatively common cause of aberrant splicing (PMID: 17576681, 9536098). Algorithms developed to predict the effect of sequence changes on RNA splicing suggest that this variant is not likely to affect RNA splicing. In summary, the available evidence is currently insufficient to determine the role of this variant in disease. Therefore, it has been classified as a Variant of Uncertain Significance.

Literature cited by the submitters: PubMed 17576681; PubMed 9536098.